The following is an entry in ClinVar:

ClinVar aggregate classification (germline): Uncertain significance. Review status: criteria provided, multiple submitters, no conflicts (2 of 4 stars). 2 submissions from 2 submitters: Uncertain significance (2). Last evaluated 2022-05-08.

Submissions (2):

Labcorp Genetics (formerly Invitae), Labcorp
Classification: Uncertain significance. Last evaluated: 2022-05-08. Review status: criteria provided, single submitter. Criteria: Invitae Variant Classification Sherloc (09022015). Collection method: clinical testing. Allele origin: germline.
Comment: This variant has not been reported in the literature in individuals affected with SETBP1-related conditions. In summary, the available evidence is currently insufficient to determine the role of this variant in disease. Therefore, it has been classified as a Variant of Uncertain Significance. Algorithms developed to predict the effect of missense changes on protein structure and function (SIFT, PolyPhen-2, Align-GVGD) all suggest that this variant is likely to be disruptive. ClinVar contains an entry for this variant (Variation ID: 594848). This variant is not present in population databases (gnomAD no frequency). This sequence change replaces lysine, which is basic and polar, with asparagine, which is neutral and polar, at codon 282 of the SETBP1 protein (p.Lys282Asn).

Eurofins Ntd Llc (ga)
Classification: Uncertain significance. Last evaluated: 2017-11-03. Review status: criteria provided, single submitter. Criteria: EGL Classification Definitions 2015. Collection method: clinical testing. Allele origin: germline. Observed: 1 variant allele, 1 heterozygote.

NM_015559.3(SETBP1):c.846A>C (p.Lys282Asn)

Gene: SETBP1 (SET binding protein 1; plus strand). Cytogenetic location: 18q12.3.
Variant type: single nucleotide variant.
Coding change: c.846A>C on transcript NM_015559.3 (MANE Select); coding-DNA position 846, A replaced by C.
Protein change: p.Lys282Asn; replaces lysine 282 with asparagine.
Molecular consequence: missense variant.
Genome position (GRCh38, 1-based): chr18:44,950,186, A>C. VCF-style: chr18-44950186-A-C. GRCh37 (hg19) VCF-style: chr18-42530151-A-C.
Other names: c.846A>C, p.Lys282Asn (LRG_1150t1); short protein forms K282N.
Identifiers: ClinVar variation 594848 (VCV000594848.9), dbSNP rs1568233537, ClinGen allele CA402316964.